The following is an entry in ClinVar:

ClinVar aggregate classification (germline): Uncertain significance (1 of 4 stars; one submission).

Conditions:
Intellectual developmental disorder with autistic features and language delay, with or without seizures. Identifiers: MedGen C5394447, MONDO:0030051, OMIM 618906.

Submission:

MVZ Medizinische Genetik Mainz
Classification: Uncertain significance for Intellectual developmental disorder with autistic features and language delay, with or without seizures. Last evaluated: 2024-12-20. Review status: criteria provided, single submitter. Criteria: UK Practice Guidelines For Variant Classification V4 01 2020. Collection method: clinical testing. Allele origin: germline. Inheritance: Autosomal dominant inheritance. Affected: yes. Observed: 1 variant allele.
Comment: ACMG Criteria: PVS1_STR,PM2_SUP

NM_001394998.1(TANC2):c.5473C>T (p.Gln1825Ter)

Gene: TANC2 (tetratricopeptide repeat, ankyrin repeat and coiled-coil containing 2; plus strand). Cytogenetic location: 17q23.3.
Variant type: single nucleotide variant.
Coding change: c.5473C>T on transcript NM_001394998.1 (MANE Select); coding-DNA position 5473, C replaced by T.
Protein change: p.Gln1825Ter; replaces glutamine 1825 with a stop codon.
Molecular consequence: nonsense.
Genome position (GRCh38, 1-based): chr17:63,421,203, C>T. VCF-style: chr17-63421203-C-T. GRCh37 (hg19) VCF-style: chr17-61498564-C-T.
Other names: c.5251C>T, p.Gln1751Ter (NM_001411076.1); c.5221C>T, p.Gln1741Ter (NM_025185.4); short protein forms Q1741*, Q1751*, Q1825*.
Identifiers: ClinVar variation 4526559 (VCV004526559.1).